The following is an entry in ClinVar:

ClinVar aggregate classification (germline): Uncertain significance. Review status: criteria provided, multiple submitters, no conflicts (2 of 4 stars). 2 submissions from 2 submitters: Uncertain significance (2). Last evaluated 2025-11-16.

Conditions:
Tumor predisposition syndrome 3 (TPDS3). Also called: Glioma susceptibility 9; LONG TELOMERE SYNDROME, POT1-RELATED; POT1 Tumor Predisposition; Melanoma, cutaneous malignant, susceptibility to, 10. Identifiers: Orphanet 618, MedGen C4014476, MONDO:0014368, OMIM 615848.
Hereditary cancer-predisposing syndrome. Also called: Hereditary Cancer Syndrome; Neoplastic Syndromes, Hereditary; Hereditary neoplastic syndrome; Tumor predisposition. Identifiers: Orphanet 140162, MedGen C0027672, MeSH D009386, MONDO:0015356.

Allele frequency attached by ClinVar (database versions not stated): TOPMed below 0.00001; gnomAD 0.00001.
gnomAD v4.1: 2 of 1,611,650 alleles (0.00012%); highest among the groups gnomAD compares: Non-Finnish European, 0.000085%; no homozygotes.

Submissions (2):

Ambry Genetics
Classification: Uncertain significance for Hereditary cancer-predisposing syndrome. Last evaluated: 2025-11-16. Review status: criteria provided, single submitter. Criteria: Ambry Variant Classification Scheme 2023. Collection method: clinical testing. Allele origin: germline.
Comment: The p.V305I variant (also known as c.913G>A), located in coding exon 7 of the POT1 gene, results from a G to A substitution at nucleotide position 913. The valine at codon 305 is replaced by isoleucine, an amino acid with highly similar properties. This amino acid position is poorly conserved in available vertebrate species. In addition, this alteration is predicted to be tolerated by in silico analysis. Since supporting evidence is limited at this time, the clinical significance of this alteration remains unclear.

Labcorp Genetics (formerly Invitae), Labcorp
Classification: Uncertain significance for Tumor predisposition syndrome 3. Last evaluated: 2025-09-27. Review status: criteria provided, single submitter. Criteria: Invitae Variant Classification Sherloc (09022015). Collection method: clinical testing. Allele origin: germline.
Comment: This sequence change replaces valine, which is neutral and non-polar, with isoleucine, which is neutral and non-polar, at codon 305 of the POT1 protein (p.Val305Ile). This variant is not present in population databases (gnomAD no frequency). This variant has not been reported in the literature in individuals affected with POT1-related conditions. ClinVar contains an entry for this variant (Variation ID: 541878). Invitae Evidence Modeling of protein sequence and biophysical properties (such as structural, functional, and spatial information, amino acid conservation, physicochemical variation, residue mobility, and thermodynamic stability) indicates that this missense variant is not expected to disrupt POT1 protein function with a negative predictive value of 80%. In summary, the available evidence is currently insufficient to determine the role of this variant in disease. Therefore, it has been classified as a Variant of Uncertain Significance.

NM_015450.3(POT1):c.913G>A (p.Val305Ile)

Gene: POT1 (protection of telomeres 1; minus strand). Cytogenetic location: 7q31.33.
Variant type: single nucleotide variant.
Coding change: c.913G>A on transcript NM_015450.3 (MANE Select); coding-DNA position 913, G replaced by A.
Protein change: p.Val305Ile; replaces valine 305 with isoleucine.
Molecular consequence: missense variant. On other transcripts: non-coding transcript variant (3).
Genome position (GRCh38, 1-based): chr7:124,851,908, C>T on the plus strand (G>A on the coding strand, the complement: POT1 is on the minus strand). VCF-style: chr7-124851908-C-T. GRCh37 (hg19) VCF-style: chr7-124491962-C-T.
Other names: c.520G>A, p.Val174Ile (NM_001042594.2); short protein forms V305I, V174I.
Identifiers: ClinVar variation 541878 (VCV000541878.13), dbSNP rs1444104997, ClinGen allele CA369054375.